The following is an entry in ClinVar:

NM_004819.3(SYMPK):c.1844G>A (p.Arg615His)

Gene: SYMPK (symplekin scaffold protein; minus strand). Cytogenetic location: 19q13.32.
Variant type: single nucleotide variant.
Coding change: c.1844G>A on transcript NM_004819.3 (MANE Select); coding-DNA position 1844, G replaced by A.
Protein change: p.Arg615His; replaces arginine 615 with histidine.
Molecular consequence: missense variant.
Genome position (GRCh38, 1-based): chr19:45,829,111, C>T on the plus strand (G>A on the coding strand, the complement: SYMPK is on the minus strand). VCF-style: chr19-45829111-C-T. GRCh37 (hg19) VCF-style: chr19-46332369-C-T.
Other names: short protein forms R615H.
Identifiers: ClinVar variation 2650132 (VCV002650132.24), dbSNP rs141706016, ClinGen allele CA9523814.

ClinVar aggregate classification (germline): Benign (1 of 4 stars; one submission).

Allele frequency attached by ClinVar (database versions not stated): 1000 Genomes Project 0.00319; 1000 Genomes Project 30x 0.00344; ExAC 0.00768; ESP Exome Variant Server 0.00769.
gnomAD v4.1: 13,289 of 1,614,202 alleles (0.82%); highest among the groups gnomAD compares: Middle Eastern, 1.4%; 75 homozygotes.

Submission:

CeGaT Center for Human Genetics Tuebingen
Classification: Benign. Last evaluated: 2023-01-01. Review status: criteria provided, single submitter. Criteria: CeGaT Center For Human Genetics Tuebingen Variant Classification Criteria Version 2. Collection method: clinical testing. Allele origin: germline. Affected: yes. Observed: 1 variant allele.
Comment: SYMPK: BS1, BS2